The following is an entry in ClinVar:

NM_001142864.4(PIEZO1):c.1780G>A (p.Ala594Thr)

Genes: HSALR1 (HSP90AB1 associated lncRNA 1; plus strand), PIEZO1 (piezo type mechanosensitive ion channel component 1 (Er blood group); minus strand). Cytogenetic location: 16q24.3.
Variant type: single nucleotide variant.
Coding change: c.1780G>A on transcript NM_001142864.4 (MANE Select); coding-DNA position 1780, G replaced by A.
Protein change: p.Ala594Thr; replaces alanine 594 with threonine.
Molecular consequence: missense variant.
Genome position (GRCh38, 1-based): chr16:88,734,943, C>T on the plus strand (G>A on the coding strand, the complement: PIEZO1 is on the minus strand). VCF-style: chr16-88734943-C-T. GRCh37 (hg19) VCF-style: chr16-88801351-C-T.
Other names: c.325G>A, p.Ala109Thr (NM_014745.1); short protein forms A594T, A109T.
Identifiers: ClinVar variation 2717235 (VCV002717235.3), dbSNP rs553614787, ClinGen allele CA286424902.

ClinVar aggregate classification (germline): Uncertain significance (1 of 4 stars; one submission).

Allele frequency attached by ClinVar (database versions not stated): gnomAD exomes below 0.00001; gnomAD 0.00001; 1000 Genomes Project 30x 0.00016; 1000 Genomes Project 0.00020.
gnomAD v4.1: 8 of 1,550,500 alleles (0.00052%); highest among the groups gnomAD compares: African/African-American, 0.0027%; no homozygotes.

Submission:

Labcorp Genetics (formerly Invitae), Labcorp
Classification: Uncertain significance. Last evaluated: 2025-12-18. Review status: criteria provided, single submitter. Criteria: Invitae Variant Classification Sherloc (09022015). Collection method: clinical testing. Allele origin: germline.
Comment: This sequence change replaces alanine, which is neutral and non-polar, with threonine, which is neutral and polar, at codon 594 of the PIEZO1 protein (p.Ala594Thr). The frequency data for this variant in the population databases is considered unreliable, as metrics indicate poor data quality at this position in the gnomAD database. This variant has not been reported in the literature in individuals affected with PIEZO1-related conditions. ClinVar contains an entry for this variant (Variation ID: 2717235). Invitae Evidence Modeling of protein sequence and biophysical properties (such as structural, functional, and spatial information, amino acid conservation, physicochemical variation, residue mobility, and thermodynamic stability) indicates that this missense variant is not expected to disrupt PIEZO1 protein function with a negative predictive value of 80%. In summary, the available evidence is currently insufficient to determine the role of this variant in disease. Therefore, it has been classified as a Variant of Uncertain Significance.